The following is an entry in ClinVar:

ClinVar aggregate classification (germline): Uncertain significance. Review status: criteria provided, multiple submitters, no conflicts (2 of 4 stars). 3 submissions from 3 submitters: Uncertain significance (3). Last evaluated 2025-11-19.

Conditions:
Chédiak-Higashi syndrome (CHS). Also called: Chediak-Higashi Syndrome. Identifiers: Orphanet 167, MedGen C0007965, MONDO:0008963, OMIM 214500.
Inborn genetic diseases. Identifiers: MedGen C0950123, MeSH D030342.

Allele frequency attached by ClinVar (database versions not stated): ExAC 0.00001; gnomAD 0.00002; TOPMed 0.00002.
gnomAD v4.1: 84 of 1,614,050 alleles (0.0052%); highest among the groups gnomAD compares: Non-Finnish European, 0.0069%; no homozygotes.

Submissions (3):

Ambry Genetics
Classification: Uncertain significance for Inborn genetic diseases. Last evaluated: 2025-11-19. Review status: criteria provided, single submitter. Criteria: Ambry Variant Classification Scheme 2023. Collection method: clinical testing. Allele origin: germline.

Labcorp Genetics (formerly Invitae), Labcorp
Classification: Uncertain significance for Chédiak-Higashi syndrome. Last evaluated: 2022-09-06. Review status: criteria provided, single submitter. Criteria: Invitae Variant Classification Sherloc (09022015). Collection method: clinical testing. Allele origin: germline.
Comment: This sequence change replaces isoleucine, which is neutral and non-polar, with threonine, which is neutral and polar, at codon 580 of the LYST protein (p.Ile580Thr). This variant is present in population databases (rs745683698, gnomAD 0.005%). This variant has not been reported in the literature in individuals affected with LYST-related conditions. ClinVar contains an entry for this variant (Variation ID: 857891). Algorithms developed to predict the effect of missense changes on protein structure and function (SIFT, PolyPhen-2, Align-GVGD) all suggest that this variant is likely to be tolerated. In summary, the available evidence is currently insufficient to determine the role of this variant in disease. Therefore, it has been classified as a Variant of Uncertain Significance.

Revvity Omics, Revvity
Classification: Uncertain significance for Chédiak-Higashi syndrome. Last evaluated: 2019-04-10. Review status: criteria provided, single submitter. Criteria: ACMG Guidelines, 2015. Collection method: clinical testing. Allele origin: germline.

NM_000081.4(LYST):c.1739T>C (p.Ile580Thr)

Gene: LYST (lysosomal trafficking regulator; minus strand). Cytogenetic location: 1q42.3.
Variant type: single nucleotide variant.
Coding change: c.1739T>C on transcript NM_000081.4 (MANE Select); coding-DNA position 1739, T replaced by C.
Protein change: p.Ile580Thr; replaces isoleucine 580 with threonine.
Molecular consequence: missense variant.
Genome position (GRCh38, 1-based): chr1:235,809,079, A>G on the plus strand (T>C on the coding strand, the complement: LYST is on the minus strand). VCF-style: chr1-235809079-A-G. GRCh37 (hg19) VCF-style: chr1-235972379-A-G.
Other names: c.1739T>C (NM_000081.2); c.1739T>C, p.Ile580Thr (NM_001301365.1); short protein forms I580T.
Identifiers: ClinVar variation 857891 (VCV000857891.12), dbSNP rs745683698, ClinGen allele CA1467409.